The following is an entry in ClinVar:

NM_001292063.2(OTOG):c.5856C>T (p.Ala1952=)

Gene: OTOG (otogelin; plus strand). Cytogenetic location: 11p15.1.
Variant type: single nucleotide variant.
Coding change: c.5856C>T on transcript NM_001292063.2 (MANE Select); coding-DNA position 5856, C replaced by T.
Protein change: p.Ala1952=; no amino-acid change (alanine 1952 retained).
Molecular consequence: synonymous variant.
Genome position (GRCh38, 1-based): chr11:17,611,156, C>T. VCF-style: chr11-17611156-C-T. GRCh37 (hg19) VCF-style: chr11-17632703-C-T.
Other names: c.5892C>T, p.Ala1964= (NM_001277269.2).
Identifiers: ClinVar variation 2164549 (VCV002164549.28), dbSNP rs778221743, ClinGen allele CA5905961.

ClinVar aggregate classification (germline): Benign/Likely benign. Review status: criteria provided, multiple submitters, no conflicts (2 of 4 stars). 2 submissions from 2 submitters: Benign (1); Likely benign (1). Last evaluated 2024-02-16.

Allele frequency attached by ClinVar (database versions not stated): gnomAD 0.00007; gnomAD exomes 0.00007; TOPMed 0.00014; ExAC 0.00065.
gnomAD v4.1: 115 of 1,550,404 alleles (0.0074%); highest among the groups gnomAD compares: African/African-American, 0.0014%; no homozygotes.

Submissions (2):

Labcorp Genetics (formerly Invitae), Labcorp
Classification: Benign. Last evaluated: 2024-02-16. Review status: criteria provided, single submitter. Criteria: Invitae Variant Classification Sherloc (09022015). Collection method: clinical testing. Allele origin: germline.

CeGaT Center for Human Genetics Tuebingen
Classification: Likely benign. Last evaluated: 2023-06-01. Review status: criteria provided, single submitter. Criteria: CeGaT Center For Human Genetics Tuebingen Variant Classification Criteria Version 2. Collection method: clinical testing. Allele origin: germline. Affected: yes. Observed: 1 variant allele.
Comment: OTOG: BP4, BP7